The following is an entry in ClinVar:

ClinVar aggregate classification (germline): Uncertain significance (1 of 4 stars; one submission).

Conditions:
Neurodevelopmental disorder with or without hyperkinetic movements and seizures, autosomal dominant. Also called: Intellectual disability, autosomal dominant 8. Identifiers: MedGen C3280282, MONDO:0013655, OMIM 614254.

Submission:

Labcorp Genetics (formerly Invitae), Labcorp
Classification: Uncertain significance for Neurodevelopmental disorder with or without hyperkinetic movements and seizures, autosomal dominant. Last evaluated: 2024-02-22. Review status: criteria provided, single submitter. Criteria: Invitae Variant Classification Sherloc (09022015). Collection method: clinical testing. Allele origin: germline.
Comment: This sequence change falls in intron 7 of the GRIN1 gene. It does not directly change the encoded amino acid sequence of the GRIN1 protein. This variant is not present in population databases (gnomAD no frequency). This variant has not been reported in the literature in individuals affected with GRIN1-related conditions. Algorithms developed to predict the effect of sequence changes on RNA splicing suggest that this variant may create or strengthen a splice site. In summary, the available evidence is currently insufficient to determine the role of this variant in disease. Therefore, it has been classified as a Variant of Uncertain Significance.

NM_007327.4(GRIN1):c.1113+8G>C

Gene: GRIN1 (glutamate ionotropic receptor NMDA type subunit 1; plus strand). Cytogenetic location: 9q34.3.
Variant type: single nucleotide variant.
Coding change: c.1113+8G>C on transcript NM_007327.4 (MANE Select); 8 bases into the intron after coding-DNA position 1113, G replaced by C.
Molecular consequence: intron variant.
Genome position (GRCh38, 1-based): chr9:137,158,531, G>C. VCF-style: chr9-137158531-G-C. GRCh37 (hg19) VCF-style: chr9-140052983-G-C.
Other names: c.1176+8G>C (NM_001185090.2, NM_001185091.2); c.1113+8G>C (NM_021569.4, NM_000832.7).
Identifiers: ClinVar variation 3642394 (VCV003642394.2).